The following is an entry in ClinVar:

NM_004820.5(CYP7B1):c.1104C>G (p.Thr368=)

Gene: CYP7B1 (cytochrome P450 family 7 subfamily B member 1; minus strand). Cytogenetic location: 8q12.3.
Variant type: single nucleotide variant.
Coding change: c.1104C>G on transcript NM_004820.5 (MANE Select); coding-DNA position 1104, C replaced by G.
Protein change: p.Thr368=; no amino-acid change (threonine 368 retained).
Molecular consequence: synonymous variant.
Genome position (GRCh38, 1-based): chr8:64,604,811, G>C on the plus strand (C>G on the coding strand, the complement: CYP7B1 is on the minus strand). VCF-style: chr8-64604811-G-C. GRCh37 (hg19) VCF-style: chr8-65517368-G-C.
Other names: c.1104C>G, p.Thr368= (NM_001324112.2); c.1104C>G (NM_004820.4).
Identifiers: ClinVar variation 2782975 (VCV002782975.5), dbSNP rs2487168337, ClinGen allele CA461118293.
Genomic context (GRCh38, chr8:64,604,811, plus strand): 5'-TCGCACACAGTAGTCCCCGGTCTCTGAACTGAGAGTCAAATCCTCCTCAACAAAACGAAT[G>C]GTGGTTGAATATGAGGACAGTCGTAAAGCTTCAAAAATGCTGCTTTCTGAAGGAAAAAAA-3'
Protein context (NP_004811.1, residues 358-378): EALRLSSYST[Thr368=]IRFVEEDLTL

ClinVar aggregate classification (germline): Likely benign. Review status: criteria provided, single submitter (1 of 4 stars). 2 submissions from 2 submitters: Likely benign (1). 1 of the submissions does not count toward it. Last evaluated 2023-05-15.

Conditions:
CYP7B1-related disorder. Also called: CYP7B1-related condition.
Spastic paraplegia. Identifiers: MedGen C0037772, HP:0001258.

Allele frequency attached by ClinVar (database versions not stated): gnomAD exomes 0.00001.
gnomAD v4.1: 13 of 1,614,152 alleles (0.00081%); highest among the groups gnomAD compares: Non-Finnish European, 0.0011%; no homozygotes.

Submissions (2):

Labcorp Genetics (formerly Invitae), Labcorp
Classification: Likely benign for Spastic paraplegia. Last evaluated: 2023-05-15. Review status: criteria provided, single submitter. Criteria: Invitae Variant Classification Sherloc (09022015). Collection method: clinical testing. Allele origin: germline.

PreventionGenetics, part of Exact Sciences
Classification: Likely benign for CYP7B1-related condition. Last evaluated: 2022-02-14. Review status: no assertion criteria provided. Collection method: clinical testing. Allele origin: germline. Not counted in ClinVar's aggregate classification.
Comment: This variant is classified as likely benign based on ACMG/AMP sequence variant interpretation guidelines (Richards et al. 2015 PMID: 25741868, with internal and published modifications).